The following is an entry in ClinVar:

NM_201253.3(CRB1):c.1861A>G (p.Thr621Ala)

Gene: CRB1 (crumbs cell polarity complex component 1; plus strand). Cytogenetic location: 1q31.3.
Variant type: single nucleotide variant.
Coding change: c.1861A>G on transcript NM_201253.3 (MANE Select); coding-DNA position 1861, A replaced by G.
Protein change: p.Thr621Ala; replaces threonine 621 with alanine.
Molecular consequence: missense variant. On other transcripts: non-coding transcript variant (1).
Genome position (GRCh38, 1-based): chr1:197,421,689, A>G. VCF-style: chr1-197421689-A-G. GRCh37 (hg19) VCF-style: chr1-197390819-A-G.
Other names: c.1525A>G, p.Thr509Ala (NM_001193640.2); c.1654A>G, p.Thr552Ala (NM_001257965.2); c.1861A>G, p.Thr621Ala (NM_001257966.2); short protein forms T509A, T552A, T621A.
Identifiers: ClinVar variation 2631104 (VCV002631104.3), dbSNP rs374177126, ClinGen allele CA35893799.

ClinVar aggregate classification (germline): Uncertain significance. Review status: criteria provided, multiple submitters, no conflicts (2 of 4 stars). 2 submissions from 2 submitters: Uncertain significance (2). Last evaluated 2024-11-04.

Conditions:
CRB1-related disorder. Also called: CRB1-related condition; CRB1-related disorders.

Allele frequency attached by ClinVar (database versions not stated): TOPMed 0.00002; gnomAD 0.00003; ESP Exome Variant Server 0.00008.
gnomAD v4.1: 4 of 1,614,064 alleles (0.00025%); highest among the groups gnomAD compares: African/African-American, 0.0053%; no homozygotes.

Submissions (2):

PreventionGenetics, part of Exact Sciences
Classification: Uncertain significance for CRB1-related condition. Last evaluated: 2024-11-04. Review status: criteria provided, single submitter. Criteria: ACMG Guidelines, 2015. Collection method: clinical testing. Allele origin: germline.
Comment: The CRB1 c.1861A>G variant is predicted to result in the amino acid substitution p.Thr621Ala. To our knowledge, this variant has not been reported in the literature or in a large population database, indicating this variant is rare. At this time, the clinical significance of this variant is uncertain due to the absence of conclusive functional and genetic evidence.

Blueprint Genetics
Classification: Uncertain significance. Last evaluated: 2022-04-01. Review status: criteria provided, single submitter. Criteria: ACMG Guidelines, 2015. Collection method: clinical testing. Allele origin: germline.